The following is an entry in ClinVar:

NM_022787.4(NMNAT1):c.206T>A (p.Met69Lys)

Gene: NMNAT1 (nicotinamide nucleotide adenylyltransferase 1; plus strand). Cytogenetic location: 1p36.22.
Variant type: single nucleotide variant.
Coding change: c.206T>A on transcript NM_022787.4 (MANE Select); coding-DNA position 206, T replaced by A.
Protein change: p.Met69Lys; replaces methionine 69 with lysine.
Molecular consequence: missense variant.
Genome position (GRCh38, 1-based): chr1:9,975,682, T>A. VCF-style: chr1-9975682-T-A. GRCh37 (hg19) VCF-style: chr1-10035740-T-A.
Other names: c.206T>A, p.Met69Lys (NM_001297778.1, NM_001297779.2); short protein forms M69K.
Identifiers: ClinVar variation 1001921 (VCV001001921.8), dbSNP rs1238255494, ClinGen allele CA338684640.

ClinVar aggregate classification (germline): Uncertain significance (1 of 4 stars; one submission).

Conditions:
Leber congenital amaurosis 9 (LCA9). Also called: LCA9 Leber Congenital Amaurosis; LCA 9; Amaurosis congenita of Leber, type 9. Identifiers: Orphanet 65, MedGen C1837873, MONDO:0012056, OMIM 608553.

Submission:

Labcorp Genetics (formerly Invitae), Labcorp
Classification: Uncertain significance for Leber congenital amaurosis 9. Last evaluated: 2020-03-05. Review status: criteria provided, single submitter. Criteria: Invitae Variant Classification Sherloc (09022015). Collection method: clinical testing. Allele origin: germline.
Comment: This sequence change replaces methionine with lysine at codon 69 of the NMNAT1 protein (p.Met69Lys). The methionine residue is highly conserved and there is a moderate physicochemical difference between methionine and lysine. This variant is not present in population databases (ExAC no frequency). This variant disrupts the p.Met69 amino acid residue in NMNAT1. Other variant(s) that disrupt this residue have been determined to be pathogenic (PMID: 22842229, 22842227, 24625443, 26018082). This suggests that this residue is clinically significant, and that variants that disrupt this residue are likely to be disease-causing. Algorithms developed to predict the effect of missense changes on protein structure and function (SIFT, PolyPhen-2, Align-GVGD) all suggest that this variant is likely to be disruptive, but these predictions have not been confirmed by published functional studies and their clinical significance is uncertain. This variant has not been reported in the literature in individuals with NMNAT1-related conditions. In summary, the available evidence is currently insufficient to determine the role of this variant in disease. Therefore, it has been classified as a Variant of Uncertain Significance.

Literature cited by the submitters: PubMed 22842229; PubMed 22842227; PubMed 24625443; PubMed 26018082.